The following is an entry in ClinVar:

NM_198578.4(LRRK2):c.4034G>T (p.Ser1345Ile)

Gene: LRRK2 (leucine rich repeat kinase 2; plus strand). Cytogenetic location: 12q12.
Variant type: single nucleotide variant.
Coding change: c.4034G>T on transcript NM_198578.4 (MANE Select); coding-DNA position 4034, G replaced by T.
Protein change: p.Ser1345Ile; replaces serine 1345 with isoleucine.
Molecular consequence: missense variant.
Genome position (GRCh38, 1-based): chr12:40,308,541, G>T. VCF-style: chr12-40308541-G-T. GRCh37 (hg19) VCF-style: chr12-40702343-G-T.
Other names: short protein forms S1345I.
Identifiers: ClinVar variation 3229637 (VCV003229637.1), dbSNP rs541846391, ClinGen allele CA384417606.

ClinVar aggregate classification (germline): Uncertain significance (1 of 4 stars; one submission).

Conditions:
Inborn genetic diseases. Identifiers: MedGen C0950123, MeSH D030342.

Submission:

Ambry Genetics
Classification: Uncertain significance for Inborn genetic diseases. Last evaluated: 2024-01-11. Review status: criteria provided, single submitter. Criteria: Ambry Variant Classification Scheme 2023. Collection method: clinical testing. Allele origin: germline.
Comment: The p.S1345I variant (also known as c.4034G>T), located in coding exon 29 of the LRRK2 gene, results from a G to T substitution at nucleotide position 4034. The serine at codon 1345 is replaced by isoleucine, an amino acid with dissimilar properties. This amino acid position is conserved. In addition, this alteration is predicted to be deleterious by in silico analysis. Since supporting evidence is limited at this time, the clinical significance of this alteration remains unclear.